The following is an entry in ClinVar:

ClinVar aggregate classification (germline): Uncertain significance (1 of 4 stars; one submission).

Conditions:
Dextro-looped transposition of the great arteries. Also called: Dextrotransposition of the great arteries. Identifiers: Orphanet 860, MedGen C3531771, MONDO:0019443, OMIM 608808, HP:0031348.

Submission:

Labcorp Genetics (formerly Invitae), Labcorp
Classification: Uncertain significance for Dextro-looped transposition of the great arteries. Last evaluated: 2025-11-19. Review status: criteria provided, single submitter. Criteria: Invitae Variant Classification Sherloc (09022015). Collection method: clinical testing. Allele origin: germline.
Comment: This sequence change replaces valine, which is neutral and non-polar, with alanine, which is neutral and non-polar, at codon 917 of the MED13L protein (p.Val917Ala). This variant is not present in population databases (gnomAD no frequency). This variant has not been reported in the literature in individuals affected with MED13L-related conditions. Invitae Evidence Modeling of protein sequence and biophysical properties (such as structural, functional, and spatial information, amino acid conservation, physicochemical variation, residue mobility, and thermodynamic stability) indicates that this missense variant is not expected to disrupt MED13L protein function with a negative predictive value of 80%. In summary, the available evidence is currently insufficient to determine the role of this variant in disease. Therefore, it has been classified as a Variant of Uncertain Significance.

NM_015335.5(MED13L):c.2750T>C (p.Val917Ala)

Gene: MED13L (mediator complex subunit 13L; minus strand). Cytogenetic location: 12q24.21.
Variant type: single nucleotide variant.
Coding change: c.2750T>C on transcript NM_015335.5 (MANE Select); coding-DNA position 2750, T replaced by C.
Protein change: p.Val917Ala; replaces valine 917 with alanine.
Molecular consequence: missense variant.
Genome position (GRCh38, 1-based): chr12:115,997,050, A>G on the plus strand (T>C on the coding strand, the complement: MED13L is on the minus strand). VCF-style: chr12-115997050-A-G. GRCh37 (hg19) VCF-style: chr12-116434855-A-G.
Other names: short protein forms V917A.
Identifiers: ClinVar variation 4806032 (VCV004806032.1).